The following is an entry in ClinVar:

NM_203447.4(DOCK8):c.2185G>C (p.Val729Leu)

Gene: DOCK8 (dedicator of cytokinesis 8; plus strand). Cytogenetic location: 9p24.3.
Variant type: single nucleotide variant.
Coding change: c.2185G>C on transcript NM_203447.4 (MANE Select); coding-DNA position 2185, G replaced by C.
Protein change: p.Val729Leu; replaces valine 729 with leucine.
Molecular consequence: missense variant.
Genome position (GRCh38, 1-based): chr9:376,285, G>C. VCF-style: chr9-376285-G-C. GRCh37 (hg19) VCF-style: chr9-376285-G-C.
Other names: c.1981G>C, p.Val661Leu (NM_001190458.2, NM_001193536.2); short protein forms V661L, V729L.
Identifiers: ClinVar variation 2190653 (VCV002190653.3), dbSNP rs755742342, ClinGen allele CA4958107.
Genomic context (GRCh38, chr9:376,285, plus strand): 5'-AATCCTCCCATTAAGTGGGCTGAAGGACATAAGGGAGTATTTAATATTGAAGTGCAAGCT[G>C]TTTCTTCTGTACACACCCAGGTAAGGAATGTCAAGGTTAATCATGAAGGTAAAGGTGCAG-3'
Protein context (NP_982272.2, residues 719-739): KGVFNIEVQA[Val729Leu]SSVHTQDNHL

ClinVar aggregate classification (germline): Uncertain significance (1 of 4 stars; one submission).

Allele frequency attached by ClinVar (database versions not stated): ExAC 0.00002; TOPMed 0.00002.
gnomAD v4.1: 8 of 1,612,202 alleles (0.0005%); highest among the groups gnomAD compares: Admixed American, 0.0083%; no homozygotes.

Submission:

Labcorp Genetics (formerly Invitae), Labcorp
Classification: Uncertain significance for Combined immunodeficiency due to DOCK8 deficiency. Last evaluated: 2023-07-17. Review status: criteria provided, single submitter. Criteria: Invitae Variant Classification Sherloc (09022015). Collection method: clinical testing. Allele origin: germline.
Comment: This sequence change replaces valine, which is neutral and non-polar, with leucine, which is neutral and non-polar, at codon 729 of the DOCK8 protein (p.Val729Leu). In summary, the available evidence is currently insufficient to determine the role of this variant in disease. Therefore, it has been classified as a Variant of Uncertain Significance. Advanced modeling of protein sequence and biophysical properties (such as structural, functional, and spatial information, amino acid conservation, physicochemical variation, residue mobility, and thermodynamic stability) performed at Invitae indicates that this missense variant is not expected to disrupt DOCK8 protein function. ClinVar contains an entry for this variant (Variation ID: 2190653). This variant has not been reported in the literature in individuals affected with DOCK8-related conditions. This variant is present in population databases (rs755742342, gnomAD 0.009%).